The following is an entry in ClinVar:

NM_017819.4(TRMT10C):c.530T>G (p.Phe177Cys)

Gene: TRMT10C (tRNA methyltransferase 10C, mitochondrial RNase P subunit; plus strand). Cytogenetic location: 3q12.3.
Variant type: single nucleotide variant.
Coding change: c.530T>G on transcript NM_017819.4 (MANE Select); coding-DNA position 530, T replaced by G.
Protein change: p.Phe177Cys; replaces phenylalanine 177 with cysteine.
Molecular consequence: missense variant.
Genome position (GRCh38, 1-based): chr3:101,565,311, T>G. VCF-style: chr3-101565311-T-G. GRCh37 (hg19) VCF-style: chr3-101284155-T-G.
Other names: short protein forms F177C.
Identifiers: ClinVar variation 3638511 (VCV003638511.2).

ClinVar aggregate classification (germline): Uncertain significance (1 of 4 stars; one submission).

Submission:

Labcorp Genetics (formerly Invitae), Labcorp
Classification: Uncertain significance. Last evaluated: 2024-11-02. Review status: criteria provided, single submitter. Criteria: Invitae Variant Classification Sherloc (09022015). Collection method: clinical testing. Allele origin: germline.
Comment: This sequence change replaces phenylalanine, which is neutral and non-polar, with cysteine, which is neutral and slightly polar, at codon 177 of the TRMT10C protein (p.Phe177Cys). This variant is not present in population databases (gnomAD no frequency). This variant has not been reported in the literature in individuals affected with TRMT10C-related conditions. Invitae Evidence Modeling of protein sequence and biophysical properties (such as structural, functional, and spatial information, amino acid conservation, physicochemical variation, residue mobility, and thermodynamic stability) indicates that this missense variant is not expected to disrupt TRMT10C protein function with a negative predictive value of 80%. In summary, the available evidence is currently insufficient to determine the role of this variant in disease. Therefore, it has been classified as a Variant of Uncertain Significance.